The following is an entry in ClinVar:

NM_000045.4(ARG1):c.130+9_130+10insTTTTTTTTTTTTTTTTTTTTNNNNNNNNNNTGACCTCGTGATCCGCCCGCCTCGGCCTCCCAAAGTGCTGGGATTACAGGCGTGAGCCACCGCGCCCGGCCAGAACAAGGTAATTTTT

Genes: ARG1 (arginase 1; plus strand), MED23 (mediator complex subunit 23; minus strand). Cytogenetic location: 6q23.2.
Variant type: Insertion.
Coding change: c.130+9_130+10insTTTTTTTTTTTTTTTTTTTTNNNNNNNNNNTGACCTCGTGATCCGCCCGCCTCGGCCTCCCAAAGTGCTGGGATTACAGGCGTGAGCCACCGCGCCCGGCCAGAACAAGGTAATTTTT on transcript NM_000045.4 (MANE Select); bases 9 to 10 of the intron after coding-DNA position 130, TTTTTTTTTTTTTTTTTTTTNNNNNNNNNNTGACCTCGTGATCCGCCCGCCTCGGCCTCCCAAAGTGCTGGGATTACAGGCGTGAGCCACCGCGCCCGGCCAGAACAAGGTAATTTTT inserted.
Molecular consequence: splice donor variant. On other transcripts: intron variant (2).
Genome position: GRCh38: chr6:131,576,744-131,576,745. GRCh37 (hg19): chr6:131,897,884-131,897,885.
Other names: c.130+9_130+10insTTTTTTTTTTTTTTTTTTTTNNNNNNNNNNTGACCTCGTGATCCGCCCGCCTCGGCCTCCCAAAGTGCTGGGATTACAGGCGTGAGCCACCGCGCCCGGCCAGAACAAGGTAATTTTT (NM_001244438.2, NM_001369020.1); c.4078-2433_4078-2432insAAAAATTACCTTGTTCTGGCCGGGCGCGGTGGCTCACGCCTGTAATCCCAGCACTTTGGGAGGCCGAGGCGGGCGGATCACGAGGTCANNNNNNNNNNAAAAAAAAAAAAAAAAAAAA (NM_001270521.2); c.4096-2433_4096-2432insAAAAATTACCTTGTTCTGGCCGGGCGCGGTGGCTCACGCCTGTAATCCCAGCACTTTGGGAGGCCGAGGCGGGCGGATCACGAGGTCANNNNNNNNNNAAAAAAAAAAAAAAAAAAAA (NM_015979.4).
Identifiers: ClinVar variation 2088412 (VCV002088412.4), dbSNP rs2482334706.

ClinVar aggregate classification (germline): Uncertain significance (1 of 4 stars; one submission).

Conditions:
Arginase deficiency. Also called: Arginase 1 Deficiency; ARGININEMIA; ARG1 DEFICIENCY. Identifiers: Orphanet 90, MedGen C0268548, MONDO:0008814, OMIM 207800.

Submission:

Labcorp Genetics (formerly Invitae), Labcorp
Classification: Uncertain significance for Arginase deficiency. Last evaluated: 2022-01-20. Review status: criteria provided, single submitter. Criteria: Invitae Variant Classification Sherloc (09022015). Collection method: clinical testing. Allele origin: germline.
Comment: This sequence change falls in intron 2 of the ARG1 gene. It does not directly change the encoded amino acid sequence of the ARG1 protein. This variant is not present in population databases (gnomAD no frequency). This variant has not been reported in the literature in individuals affected with ARG1-related conditions. Algorithms developed to predict the effect of sequence changes on RNA splicing suggest that this variant may create or strengthen a splice site. In summary, the available evidence is currently insufficient to determine the role of this variant in disease. Therefore, it has been classified as a Variant of Uncertain Significance.